The following is an entry in ClinVar:

ClinVar aggregate classification (germline): Likely benign (0 of 4 stars; one submission).

Conditions:
MUC16-related disorder. Also called: MUC16-related condition.

Allele frequency attached by ClinVar (database versions not stated): ExAC 0.00064; 1000 Genomes Project 0.00180; gnomAD 0.00201; TOPMed 0.00226; 1000 Genomes Project 30x 0.00234; ESP Exome Variant Server 0.00247.

Submissions (3):

PreventionGenetics, part of Exact Sciences
Classification: Likely benign for MUC16-related condition. Last evaluated: 2019-02-18. Review status: no assertion criteria provided. Collection method: clinical testing. Allele origin: germline.
Comment: This variant is classified as likely benign based on ACMG/AMP sequence variant interpretation guidelines (Richards et al. 2015 PMID: 25741868, with internal and published modifications).

Dr. Peter K. Rogan Lab, Western University
No classification provided (evidence only). Condition: Ovarian serous cystadenocarcinoma. Review status: no classification provided. Collection method: in vitro. Allele origin: not applicable. Functional consequence: retained intron. Not counted in ClinVar's aggregate classification.

Dr. Peter K. Rogan Lab, Western University
No classification provided (evidence only). Condition: Malignant tumor of esophagus. Review status: no classification provided. Collection method: in vitro. Allele origin: not applicable. Functional consequence: retained intron. Not counted in ClinVar's aggregate classification.

NM_001401501.2(MUC16):c.11596G>T (p.Gly3866Trp)

Gene: MUC16 (mucin 16, cell surface associated; minus strand). Cytogenetic location: 19p13.2.
Variant type: single nucleotide variant.
Coding change: c.11596G>T on transcript NM_001401501.2 (MANE Select); coding-DNA position 11596, G replaced by T.
Protein change: p.Gly3866Trp; replaces glycine 3866 with tryptophan.
Molecular consequence: missense variant.
Genome position (GRCh38, 1-based): chr19:8,965,294, C>A on the plus strand (G>T on the coding strand, the complement: MUC16 is on the minus strand). VCF-style: chr19-8965294-C-A. GRCh37 (hg19) VCF-style: chr19-9075970-C-A.
Other names: NC_000019.9:g.9075970C>A; c.12022G>T, p.Gly4008Trp (NM_001414686.1); c.11476G>T, p.Gly3826Trp (NM_001414687.1, NM_024690.2); short protein forms G3826W, G3866W, G4008W.
Identifiers: ClinVar variation 3040869 (VCV003040869.3), dbSNP rs201517920, ClinGen allele CA9171243.